The following is an entry in ClinVar:

NM_003924.4(PHOX2B):c.323_334del (p.Ala108_Lys111del)

Gene: PHOX2B (paired like homeobox 2B; minus strand). Cytogenetic location: 4p13.
Variant type: Deletion.
Coding change: c.323_334del on transcript NM_003924.4 (MANE Select); coding-DNA positions 323 to 334, 12 bases deleted (CCCAGCTCAAAG).
Protein change: p.Ala108_Lys111del.
Molecular consequence: inframe deletion. On other transcripts: inframe indel (1).
Genome position (GRCh38, 1-based): chr4:41,747,444-41,747,455, CTTTGAGCTGGG deleted on the plus strand (CCCAGCTCAAAG on the coding strand, the reverse complement: PHOX2B is on the minus strand); deleting any 12 consecutive bases within chr4:41,747,444-41,747,456 gives the same sequence; the c. name uses the placement nearest the transcript's 3' end. VCF-style (leftmost placement, unchanged base first): chr4-41747443-TCTTTGAGCTGGG-T. GRCh37 (hg19) VCF-style: chr4-41749460-TCTTTGAGCTGGG-T.
Other names: c.322_333delGCCCAGCTCAAA, p.Ala108_Lys111del (NM_003924.3).
Identifiers: ClinVar variation 2431015 (VCV002431015.2), dbSNP rs2552097026, ClinGen allele CA2580071030.

ClinVar aggregate classification (germline): Uncertain significance (1 of 4 stars; one submission).

Submission:

GeneDx
Classification: Uncertain significance. Last evaluated: 2024-09-05. Review status: criteria provided, single submitter. Criteria: GeneDx Variant Classification Process June 2021. Collection method: clinical testing. Allele origin: germline.
Comment: Not observed at significant frequency in large population cohorts (gnomAD); In-frame deletion of four amino acids in a non-repeat region; In silico analysis supports a deleterious effect on protein structure/function; Has not been previously published as pathogenic or benign to our knowledge